The following is an entry in ClinVar:

NM_002340.6(LSS):c.1196C>T (p.Ala399Val)

Gene: LSS (lanosterol synthase; minus strand). Cytogenetic location: 21q22.3.
Variant type: single nucleotide variant.
Coding change: c.1196C>T on transcript NM_002340.6 (MANE Select); coding-DNA position 1196, C replaced by T.
Protein change: p.Ala399Val; replaces alanine 399 with valine.
Molecular consequence: missense variant.
Genome position (GRCh38, 1-based): chr21:46,209,624, G>A on the plus strand (C>T on the coding strand, the complement: LSS is on the minus strand). VCF-style: chr21-46209624-G-A. GRCh37 (hg19) VCF-style: chr21-47629538-G-A.
Other names: c.1196C>T, p.Ala399Val (NM_001001438.3); c.1163C>T, p.Ala388Val (NM_001145436.2); c.956C>T, p.Ala319Val (NM_001145437.2); c.1196C>T (NM_002340.5); short protein forms A319V, A388V, A399V.
Identifiers: ClinVar variation 2506673 (VCV002506673.2), dbSNP rs753544556, ClinGen allele CA10075081.

ClinVar aggregate classification (germline): Uncertain significance. Review status: criteria provided, multiple submitters, no conflicts (2 of 4 stars). 2 submissions from 2 submitters: Uncertain significance (2). Last evaluated 2025-08-13.

Conditions:
Inborn genetic diseases. Identifiers: MedGen C0950123, MeSH D030342.

Allele frequency attached by ClinVar (database versions not stated): ExAC 0.00001; gnomAD 0.00002; TOPMed 0.00003.
gnomAD v4.1: 30 of 1,605,998 alleles (0.0019%); highest among the groups gnomAD compares: East Asian, 0.0067%; no homozygotes.

Submissions (2):

Ambry Genetics
Classification: Uncertain significance for Inborn genetic diseases. Last evaluated: 2025-08-13. Review status: criteria provided, single submitter. Criteria: Ambry Variant Classification Scheme 2023. Collection method: clinical testing. Allele origin: germline.

GeneDx
Classification: Uncertain significance. Last evaluated: 2022-12-20. Review status: criteria provided, single submitter. Criteria: GeneDx Variant Classification Process June 2021. Collection method: clinical testing. Allele origin: germline. Affected: yes.
Comment: In silico analysis supports that this missense variant does not alter protein structure/function; Has not been previously published as pathogenic or benign to our knowledge